The following is an entry in ClinVar:

NM_006648.4(WNK2):c.283G>A (p.Ala95Thr)

Gene: WNK2 (WNK lysine deficient protein kinase 2; plus strand). Cytogenetic location: 9q22.31.
Variant type: single nucleotide variant.
Coding change: c.283G>A on transcript NM_006648.4 (MANE Select); coding-DNA position 283, G replaced by A.
Protein change: p.Ala95Thr; replaces alanine 95 with threonine.
Molecular consequence: missense variant.
Genome position (GRCh38, 1-based): chr9:93,185,212, G>A. VCF-style: chr9-93185212-G-A. GRCh37 (hg19) VCF-style: chr9-95947494-G-A.
Other names: c.283G>A, p.Ala95Thr (NM_001282394.3); short protein forms A95T.
Identifiers: ClinVar variation 3816909 (VCV003816909.1).

ClinVar aggregate classification (germline): Uncertain significance (1 of 4 stars; one submission).

gnomAD v4.1: 21 of 1,165,438 alleles (0.0018%); highest among the groups gnomAD compares: Admixed American, 0.014%; no homozygotes.

Submission:

Ambry Genetics
Classification: Uncertain significance. Last evaluated: 2025-01-23. Review status: criteria provided, single submitter. Criteria: Ambry Variant Classification Scheme 2023. Collection method: clinical testing. Allele origin: germline.
Comment: The p.A95T variant (also known as c.283G>A), located in coding exon 1 of the WNK2 gene, results from a G to A substitution at nucleotide position 283. The alanine at codon 95 is replaced by threonine, an amino acid with similar properties. This amino acid position is conserved. In addition, this alteration is predicted to be tolerated by in silico analysis. Based on the available evidence, the clinical significance of this variant remains unclear.